The following is an entry in ClinVar:

NM_016032.4(ZDHHC9):c.1013C>T (p.Pro338Leu)

Gene: ZDHHC9 (zDHHC palmitoyltransferase 9; minus strand). Cytogenetic location: Xq26.1.
Variant type: single nucleotide variant.
Coding change: c.1013C>T on transcript NM_016032.4 (MANE Select); coding-DNA position 1013, C replaced by T.
Protein change: p.Pro338Leu; replaces proline 338 with leucine.
Molecular consequence: missense variant.
Genome position (GRCh38, 1-based): chrX:129,806,452, G>A on the plus strand (C>T on the coding strand, the complement: ZDHHC9 is on the minus strand). VCF-style: chrX-129806452-G-A. GRCh37 (hg19) VCF-style: chrX-128940428-G-A.
Other names: c.1013C>T, p.Pro338Leu (NM_001008222.3); short protein forms P338L.
Identifiers: ClinVar variation 569982 (VCV000569982.14), dbSNP rs753807510, ClinGen allele CA335093210.

ClinVar aggregate classification (germline): Uncertain significance. Review status: criteria provided, multiple submitters, no conflicts (2 of 4 stars). 3 submissions from 3 submitters: Uncertain significance (3). Last evaluated 2025-11-27.

Conditions:
Inborn genetic diseases. Identifiers: MedGen C0950123, MeSH D030342.
Intellectual developmental disorder, X-linked, syndromic, Raymond type. Also called: Syndromic X-linked intellectual disability Raymond type. Identifiers: MedGen C3275406, MONDO:0010427, OMIM 300799.

Allele frequency attached by ClinVar (database versions not stated): gnomAD exomes 0.00001; TOPMed 0.00003.
gnomAD v4.1: 46 of 1,209,380 alleles (0.0038%); highest among the groups gnomAD compares: Middle Eastern, 0.023%; no homozygotes.

Submissions (3):

Labcorp Genetics (formerly Invitae), Labcorp
Classification: Uncertain significance for Intellectual developmental disorder, X-linked, syndromic, Raymond type. Last evaluated: 2025-11-27. Review status: criteria provided, single submitter. Criteria: Invitae Variant Classification Sherloc (09022015). Collection method: clinical testing. Allele origin: germline.
Comment: This sequence change replaces proline, which is neutral and non-polar, with leucine, which is neutral and non-polar, at codon 338 of the ZDHHC9 protein (p.Pro338Leu). This variant is present in population databases (rs753807510, gnomAD 0.002%), including at least one homozygous and/or hemizygous individual. This variant has not been reported in the literature in individuals affected with ZDHHC9-related conditions. ClinVar contains an entry for this variant (Variation ID: 569982). An algorithm developed to predict the effect of missense changes on protein structure and function (PolyPhen-2) suggests that this variant is likely to be tolerated. In summary, the available evidence is currently insufficient to determine the role of this variant in disease. Therefore, it has been classified as a Variant of Uncertain Significance.

Ambry Genetics
Classification: Uncertain significance for Inborn genetic diseases. Last evaluated: 2025-01-22. Review status: criteria provided, single submitter. Criteria: Ambry Variant Classification Scheme 2023. Collection method: clinical testing. Allele origin: germline.

Women's Health and Genetics/Laboratory Corporation of America, LabCorp
Classification: Uncertain significance. Last evaluated: 2024-06-07. Review status: criteria provided, single submitter. Criteria: LabCorp Variant Classification Summary - May 2015. Collection method: clinical testing. Allele origin: germline.
Comment: Variant summary: ZDHHC9 c.1013C>T (p.Pro338Leu) results in a non-conservative amino acid change in the encoded protein sequence. Three of five in-silico tools predict a damaging effect of the variant on protein function. The variant allele was found at a frequency of 3.8e-05 in 1209380 control chromosomes, including 14 hemizygotes. The available data on variant occurrences in the general population are insufficient to allow any conclusion about variant significance. To our knowledge, no occurrence of c.1013C>T in individuals affected with Mental Retardation, X-Linked, Syndromic, Raymond Type and no experimental evidence demonstrating its impact on protein function have been reported. ClinVar contains an entry for this variant (Variation ID: 569982). Based on the evidence outlined above, the variant was classified as uncertain significance.